The following is an entry in ClinVar:

ClinVar aggregate classification (germline): Uncertain significance (1 of 4 stars; one submission).

Conditions:
Ulnar-mammary syndrome (UMS). Also called: SCHINZEL SYNDROME; PALLISTER ULNAR-MAMMARY SYNDROME; Ulnar-mammary syndrome of Pallister. Identifiers: Orphanet 3138, MedGen C1866994, MONDO:0008411, OMIM 181450.

Submission:

Labcorp Genetics (formerly Invitae), Labcorp
Classification: Uncertain significance for Ulnar-mammary syndrome. Last evaluated: 2025-08-24. Review status: criteria provided, single submitter. Criteria: Invitae Variant Classification Sherloc (09022015). Collection method: clinical testing. Allele origin: germline.
Comment: This sequence change replaces alanine, which is neutral and non-polar, with proline, which is neutral and non-polar, at codon 597 of the TBX3 protein (p.Ala597Pro). This variant is present in population databases (no rsID available, gnomAD no frequency). This variant has not been reported in the literature in individuals affected with TBX3-related conditions. An algorithm developed to predict the effect of missense changes on protein structure and function (PolyPhen-2) suggests that this variant is likely to be tolerated. In summary, the available evidence is currently insufficient to determine the role of this variant in disease. Therefore, it has been classified as a Variant of Uncertain Significance.

NM_005996.4(TBX3):c.1789G>C (p.Ala597Pro)

Gene: TBX3 (T-box transcription factor 3; minus strand). Cytogenetic location: 12q24.21.
Variant type: single nucleotide variant.
Coding change: c.1789G>C on transcript NM_005996.4 (MANE Select); coding-DNA position 1789, G replaced by C.
Protein change: p.Ala597Pro; replaces alanine 597 with proline.
Molecular consequence: missense variant.
Genome position (GRCh38, 1-based): chr12:114,672,224, C>G on the plus strand (G>C on the coding strand, the complement: TBX3 is on the minus strand). VCF-style: chr12-114672224-C-G. GRCh37 (hg19) VCF-style: chr12-115110029-C-G.
Other names: c.1849G>C, p.Ala617Pro (NM_016569.4); short protein forms A597P, A617P.
Identifiers: ClinVar variation 4706811 (VCV004706811.1).
Genomic context (GRCh38, chr12:114,672,224, plus strand): 5'-GCGGGCGCATGGTGTTCAGATTGAGGAAGGGGTGGCGGTGCACCGAGCTGGAGGCTGCCG[C>G]AGAGGAGGCGGCCGCCGCTGCGGCCATGTACGTGTAGGGGTAAGGGAACAGGCTTCCGAA-3'
Protein context (NP_005987.3, residues 587-607): YMAAAAAASS[Ala597Pro]AASSSVHRHP